The following is an entry in ClinVar:

NM_004523.4(KIF11):c.2550del (p.Val850_Val851insTer)

Gene: KIF11 (kinesin family member 11; plus strand). Cytogenetic location: 10q23.33.
Variant type: Deletion.
Coding change: c.2550del on transcript NM_004523.4 (MANE Select); coding-DNA position 2550, one base deleted (T; older notation c.2550delT).
Protein change: p.Val850_Val851insTer.
Molecular consequence: frameshift variant.
Genome position (GRCh38, 1-based): chr10:92,648,214, T deleted; the last of 2 consecutive T bases (chr10:92,648,213-92,648,214); deleting either gives the same sequence. VCF-style (leftmost placement, unchanged base first): chr10-92648212-GT-G. GRCh37 (hg19) VCF-style: chr10-94407969-GT-G.
Identifiers: ClinVar variation 2129960 (VCV002129960.4), dbSNP rs2492540769, ClinGen allele CA2580082307.

ClinVar aggregate classification (germline): Pathogenic (1 of 4 stars; one submission).

Submission:

Labcorp Genetics (formerly Invitae), Labcorp
Classification: Pathogenic. Last evaluated: 2022-04-24. Review status: criteria provided, single submitter. Criteria: Invitae Variant Classification Sherloc (09022015). Collection method: clinical testing. Allele origin: germline.
Comment: This sequence change creates a premature translational stop signal (p.Val851*) in the KIF11 gene. It is expected to result in an absent or disrupted protein product. Loss-of-function variants in KIF11 are known to be pathogenic (PMID: 22284827, 24281367). This variant is not present in population databases (gnomAD no frequency). This variant has not been reported in the literature in individuals affected with KIF11-related conditions. For these reasons, this variant has been classified as Pathogenic.

Literature cited by the submitters: PubMed 22284827; PubMed 24281367.